The following is an entry in ClinVar:

NM_006031.6(PCNT):c.7690+3G>C

Gene: PCNT (pericentrin; plus strand). Cytogenetic location: 21q22.3.
Variant type: single nucleotide variant.
Coding change: c.7690+3G>C on transcript NM_006031.6 (MANE Select); 3 bases into the intron after coding-DNA position 7690, G replaced by C.
Molecular consequence: intron variant.
Genome position (GRCh38, 1-based): chr21:46,428,593, G>C. VCF-style: chr21-46428593-G-C. GRCh37 (hg19) VCF-style: chr21-47848507-G-C.
Other names: c.7336+3G>C (NM_001315529.2); c.7690+3G>C (NM_006031.5).
Identifiers: ClinVar variation 1306746 (VCV001306746.4), dbSNP rs955395192, ClinGen allele CA322013483.

ClinVar aggregate classification (germline): Uncertain significance. Review status: criteria provided, multiple submitters, no conflicts (2 of 4 stars). 2 submissions from 2 submitters: Uncertain significance (2). Last evaluated 2026-05-03.

Conditions:
PCNT-related disorder. Also called: PCNT-related condition.

Allele frequency attached by ClinVar (database versions not stated): gnomAD 0.00003 and 0.00004; TOPMed 0.00003.
gnomAD v4.1: 16 of 1,592,312 alleles (0.001%); highest among the groups gnomAD compares: African/African-American, 0.004%; no homozygotes.

Submissions (2):

PreventionGenetics, part of Exact Sciences
Classification: Uncertain significance for PCNT-related condition. Last evaluated: 2026-05-03. Review status: criteria provided, single submitter. Criteria: ACMG Guidelines, 2015. Collection method: clinical testing. Allele origin: germline.
Comment: The PCNT c.7690+3G>C variant is predicted to interfere with splicing. To our knowledge, this variant has not been reported in the literature. This variant is predicted to affect a nearby canonical splice site according to an in silico splicing algorithm (SpliceAI, Jaganathan K, et al. 2019. PubMed ID: 30661751). However, the use of computer prediction programs is not equivalent to functional evidence. This variant is reported in 0.0036% of alleles in individuals of European (Non-Finnish) descent in gnomAD. At this time, the clinical significance of this variant is uncertain due to the absence of conclusive functional and genetic evidence.

GeneDx
Classification: Uncertain significance. Last evaluated: 2019-03-19. Review status: criteria provided, single submitter. Criteria: GeneDx Variant Classification Process June 2021. Collection method: clinical testing. Allele origin: germline. Affected: yes.
Comment: Not observed at a significant frequency in large population cohorts (Lek et al., 2016); In silico analysis, which includes splice predictors and evolutionary conservation, supports a deleterious effect; Has not been previously published as pathogenic or benign to our knowledge